The following is an entry in ClinVar:

ClinVar aggregate classification (germline): Uncertain significance (1 of 4 stars; one submission).

Submission:

CeGaT Center for Human Genetics Tuebingen
Classification: Uncertain significance. Last evaluated: 2023-02-01. Review status: criteria provided, single submitter. Criteria: CeGaT Center For Human Genetics Tuebingen Variant Classification Criteria Version 2. Collection method: clinical testing. Allele origin: germline. Affected: yes. Observed: 1 variant allele.
Comment: PKD1: PM2, BP4

NM_001009944.3(PKD1):c.9880G>T (p.Ala3294Ser)

Gene: PKD1 (polycystin 1, transient receptor potential channel interacting; minus strand). Cytogenetic location: 16p13.3.
Variant type: single nucleotide variant.
Coding change: c.9880G>T on transcript NM_001009944.3 (MANE Select); coding-DNA position 9880, G replaced by T.
Protein change: p.Ala3294Ser; replaces alanine 3294 with serine.
Molecular consequence: missense variant.
Genome position (GRCh38, 1-based): chr16:2,099,904, C>A on the plus strand (G>T on the coding strand, the complement: PKD1 is on the minus strand). VCF-style: chr16-2099904-C-A. GRCh37 (hg19) VCF-style: chr16-2149905-C-A.
Other names: c.9880G>T, p.Ala3294Ser (NM_000296.4); short protein forms A3294S.
Identifiers: ClinVar variation 2645991 (VCV002645991.24), dbSNP rs1265262304, ClinGen allele CA394353097.
Genomic context (GRCh38, chr16:2,099,904, plus strand): 5'-ACCCCTACGGCACCCACCTGTAGGCAGAGTCGCCAACAGCCCCGTACCACACGGCGTTGG[C>A]GCCCAGGAAGAGGCAGATGAGGAGAACGCAGCAGGTGGCCCTCTGGATGCGAGTGAAACG-3'
Protein context (NP_001009944.3, residues 3284-3304): CVLLICLFLG[Ala3294Ser]NAVWYGAVGD